The following is an entry in ClinVar:

NM_013335.4(GMPPA):c.1052C>T (p.Ala351Val)

Genes: ASIC4-AS1 (ASIC4 antisense RNA 1; minus strand), GMPPA (GDP-mannose pyrophosphorylase A; plus strand). Cytogenetic location: 2q35.
Variant type: single nucleotide variant.
Coding change: c.1052C>T on transcript NM_013335.4 (MANE Select); coding-DNA position 1052, C replaced by T.
Protein change: p.Ala351Val; replaces alanine 351 with valine.
Molecular consequence: missense variant.
Genome position (GRCh38, 1-based): chr2:219,506,312, C>T. VCF-style: chr2-219506312-C-T. GRCh37 (hg19) VCF-style: chr2-220371034-C-T.
Other names: c.1052C>T, p.Ala351Val (NM_001374294.1, NM_001374295.1, NM_205847.3); c.1052C>T (NM_205847.2); short protein forms A351V.
Identifiers: ClinVar variation 1430131 (VCV001430131.9), dbSNP rs750437487, ClinGen allele CA2128411.

ClinVar aggregate classification (germline): Uncertain significance. Review status: criteria provided, multiple submitters, no conflicts (2 of 4 stars). 2 submissions from 2 submitters: Uncertain significance (2). Last evaluated 2023-11-14.

Conditions:
Inborn genetic diseases. Identifiers: MedGen C0950123, MeSH D030342.
Alacrima, achalasia, and impaired intellectual development syndrome. Also called: Alacrima, achalasia, and intellectual disability syndrome; Alacrima, achalasia, and mental retardation syndrome. Identifiers: Orphanet 869, MedGen C4706563, MONDO:0014219, OMIM 615510.

Allele frequency attached by ClinVar (database versions not stated): TOPMed 0.00003; gnomAD 0.00001; gnomAD exomes below 0.00001.

Submissions (2):

Ambry Genetics
Classification: Uncertain significance for Inborn genetic diseases. Last evaluated: 2023-11-14. Review status: criteria provided, single submitter. Criteria: Ambry Variant Classification Scheme 2023. Collection method: clinical testing. Allele origin: germline.

Labcorp Genetics (formerly Invitae), Labcorp
Classification: Uncertain significance for Alacrima, achalasia, and impaired intellectual development syndrome. Last evaluated: 2022-06-13. Review status: criteria provided, single submitter. Criteria: Invitae Variant Classification Sherloc (09022015). Collection method: clinical testing. Allele origin: germline.
Comment: This sequence change replaces alanine, which is neutral and non-polar, with valine, which is neutral and non-polar, at codon 351 of the GMPPA protein (p.Ala351Val). This variant is present in population databases (rs750437487, gnomAD 0.007%). This variant has not been reported in the literature in individuals affected with GMPPA-related conditions. Algorithms developed to predict the effect of missense changes on protein structure and function are either unavailable or do not agree on the potential impact of this missense change (SIFT: "Tolerated"; PolyPhen-2: "Possibly Damaging"; Align-GVGD: "Class C0"). In summary, the available evidence is currently insufficient to determine the role of this variant in disease. Therefore, it has been classified as a Variant of Uncertain Significance.